The following is an entry in ClinVar:

ClinVar aggregate classification (germline): Uncertain significance (1 of 4 stars; one submission).

gnomAD v4.1: 1 of 1,613,956 alleles (0.000062%); highest among the groups gnomAD compares: Non-Finnish European, 0.000085%; no homozygotes.

Submission:

GeneDx
Classification: Uncertain significance. Last evaluated: 2024-10-11. Review status: criteria provided, single submitter. Criteria: GeneDx Variant Classification Process June 2021. Collection method: clinical testing. Allele origin: germline. Affected: yes.
Comment: Not observed at significant frequency in large population cohorts (gnomAD); In silico analysis indicates that this missense variant does not alter protein structure/function; Has not been previously published as pathogenic or benign to our knowledge

NM_006996.3(SLC19A2):c.952G>A (p.Gly318Ser)

Gene: SLC19A2 (solute carrier family 19 member 2; minus strand). Cytogenetic location: 1q24.2.
Variant type: single nucleotide variant.
Coding change: c.952G>A on transcript NM_006996.3 (MANE Select); coding-DNA position 952, G replaced by A.
Protein change: p.Gly318Ser; replaces glycine 318 with serine.
Molecular consequence: missense variant.
Genome position (GRCh38, 1-based): chr1:169,470,042, C>T on the plus strand (G>A on the coding strand, the complement: SLC19A2 is on the minus strand). VCF-style: chr1-169470042-C-T. GRCh37 (hg19) VCF-style: chr1-169439280-C-T.
Other names: c.349G>A, p.Gly117Ser (NM_001319667.1); short protein forms G117S, G318S.
Identifiers: ClinVar variation 3777621 (VCV003777621.1).